The following is an entry in ClinVar:

ClinVar aggregate classification (germline): Uncertain significance. Review status: criteria provided, multiple submitters, no conflicts (2 of 4 stars). 2 submissions from 2 submitters: Uncertain significance (2). Last evaluated 2026-02-17.

Conditions:
Inborn genetic diseases. Identifiers: MedGen C0950123, MeSH D030342.

Allele frequency attached by ClinVar (database versions not stated): gnomAD exomes below 0.00001.
gnomAD v4.1: 3 of 1,614,078 alleles (0.00019%); highest among the groups gnomAD compares: Non-Finnish European, 0.00025%; no homozygotes.

Submissions (2):

Ambry Genetics
Classification: Uncertain significance for Inborn genetic diseases. Last evaluated: 2026-02-17. Review status: criteria provided, single submitter. Criteria: Ambry Variant Classification Scheme 2023. Collection method: clinical testing. Allele origin: germline.

Labcorp Genetics (formerly Invitae), Labcorp
Classification: Uncertain significance. Last evaluated: 2023-08-16. Review status: criteria provided, single submitter. Criteria: Invitae Variant Classification Sherloc (09022015). Collection method: clinical testing. Allele origin: germline.
Comment: This sequence change replaces arginine, which is basic and polar, with glutamine, which is neutral and polar, at codon 146 of the PPP2R5D protein (p.Arg146Gln). This variant is not present in population databases (gnomAD no frequency). This variant has not been reported in the literature in individuals affected with PPP2R5D-related conditions. An algorithm developed to predict the effect of missense changes on protein structure and function (PolyPhen-2) suggests that this variant is likely to be disruptive. In summary, the available evidence is currently insufficient to determine the role of this variant in disease. Therefore, it has been classified as a Variant of Uncertain Significance.

NM_006245.4(PPP2R5D):c.437G>A (p.Arg146Gln)

Gene: PPP2R5D (protein phosphatase 2 regulatory subunit B'delta; plus strand). Cytogenetic location: 6p21.1.
Variant type: single nucleotide variant.
Coding change: c.437G>A on transcript NM_006245.4 (MANE Select); coding-DNA position 437, G replaced by A.
Protein change: p.Arg146Gln; replaces arginine 146 with glutamine.
Molecular consequence: missense variant. On other transcripts: 5 prime UTR variant (1).
Genome position (GRCh38, 1-based): chr6:43,007,025, G>A. VCF-style: chr6-43007025-G-A. GRCh37 (hg19) VCF-style: chr6-42974763-G-A.
Other names: c.-17G>A (NM_001270476.2); c.341G>A, p.Arg114Gln (NM_180976.3); c.119G>A, p.Arg40Gln (NM_180977.3); c.437G>A (NM_006245.2); short protein forms R114Q, R40Q, R146Q.
Identifiers: ClinVar variation 2752675 (VCV002752675.4), dbSNP rs2150278481, ClinGen allele CA364183142.
Genomic context (GRCh38, chr6:43,007,025, plus strand): 5'-GTGTCCTCTTTGACTTCGTGTCAGACCCACTCAGTGACCTCAAATTCAAGGAGGTGAAGC[G>A]GGCAGGACTCAACGAGATGGTGGAGTACATCACCCATAGCCGTGATGTTGTCACTGAGGC-3'
Protein context (NP_006236.1, residues 136-156): LSDLKFKEVK[Arg146Gln]AGLNEMVEYI